The following is an entry in ClinVar:

NM_001267550.2(TTN):c.7516C>T (p.Arg2506Ter)

Gene: TTN (titin; minus strand). Cytogenetic location: 2q31.2.
Variant type: single nucleotide variant.
Coding change: c.7516C>T on transcript NM_001267550.2 (MANE Select); coding-DNA position 7516, C replaced by T.
Protein change: p.Arg2506Ter; replaces arginine 2506 with a stop codon.
Molecular consequence: nonsense.
Genome position (GRCh38, 1-based): chr2:178,773,540, G>A on the plus strand (C>T on the coding strand, the complement: TTN is on the minus strand). VCF-style: chr2-178773540-G-A. GRCh37 (hg19) VCF-style: chr2-179638267-G-A.
Other names: c.7516C>T, p.Arg2506Ter (NM_001256850.1, NM_133378.4, NM_133379.5); c.7516C>T (NM_001267550.1); c.7378C>T, p.Arg2460Ter (NM_003319.4, NM_133432.3, NM_133437.4); short protein forms R2506*, R2460*.
Identifiers: ClinVar variation 391080 (VCV000391080.7), dbSNP rs780415493, ClinGen allele CA2004799.
Genomic context (GRCh38, chr2:178,773,540, plus strand): 5'-AGTTGGTTTCAACTCTGCCAACTATCAGCTTGTAAGGTCCTTCGTCTGAAGCATGAGTTC[G>A]GTTAATGACTAGTCGCTGTTTAGTACCTTTCACAATGGCCTGTACACGGTCATCAGGCTT-3'

ClinVar aggregate classification (germline): Likely pathogenic. Review status: criteria provided, multiple submitters, no conflicts (2 of 4 stars). 3 submissions from 3 submitters: Likely pathogenic (2). 1 of the submissions does not count toward it. Last evaluated 2025-10-03.

Conditions:
Dilated cardiomyopathy 1G (CMD1G). Identifiers: Orphanet 154, MedGen C1858763, MONDO:0011400, OMIM 604145.
Autosomal recessive limb-girdle muscular dystrophy type 2J (LGMDR10). Also called: MUSCULAR DYSTROPHY, LIMB-GIRDLE, AUTOSOMAL RECESSIVE 10; Limb-girdle muscular dystrophy, type 2J. Identifiers: Orphanet 140922, MedGen C1837342, MONDO:0012127, OMIM 608807.

Allele frequency attached by ClinVar (database versions not stated): gnomAD exomes below 0.00001; ExAC 0.00001.
gnomAD v4.1: 2 of 1,613,984 alleles (0.00012%); highest among the groups gnomAD compares: Non-Finnish European, 0.00017%; no homozygotes.

Submissions (3):

Labcorp Genetics (formerly Invitae), Labcorp
Classification: Likely pathogenic for Dilated cardiomyopathy 1G; Autosomal recessive limb-girdle muscular dystrophy type 2J. Last evaluated: 2025-10-03. Review status: criteria provided, single submitter. Criteria: Invitae Variant Classification Sherloc (09022015). Collection method: clinical testing. Allele origin: germline.
Comment: This sequence change creates a premature translational stop signal (p.Arg2506*) in the TTN gene. While this is not anticipated to result in nonsense mediated decay, it is expected to create a truncated TTN protein. This variant is present in population databases (rs780415493, gnomAD 0.0009%). This variant has not been reported in the literature in individuals affected with TTN-related conditions. ClinVar contains an entry for this variant (Variation ID: 391080). Algorithms developed to predict the effect of sequence changes on RNA splicing suggest that this variant may disrupt the consensus splice site. This variant is located in the I band of TTN (PMID: 25589632). Truncating variants in this region have been reported in individuals affected with autosomal recessive centronuclear myopathy (PMID: 23975875, internal data). Truncating variants in this region have also been identified in individuals affected with autosomal dominant dilated cardiomyopathy and/or cardio-related conditions (PMID: 27869827, 32964742, internal data). In summary, the currently available evidence indicates that the variant is pathogenic, but additional data are needed to prove that conclusively. Therefore, this variant has been classified as Likely Pathogenic.

GeneDx
Classification: Likely pathogenic. Last evaluated: 2025-09-03. Review status: criteria provided, single submitter. Criteria: GeneDx Variant Classification Process June 2021. Collection method: clinical testing. Allele origin: germline. Affected: yes.
Comment: Located in a specific region of the I-band within TTN for which truncating variants are significantly associated with autosomal dominant cardiomyopathy and also with autosomal recessive skeletal myopathies (PMID: 27625338, 27869827, 32778822); Not observed at significant frequency in large population cohorts (gnomAD); This variant is associated with the following publications: (PMID: 39692270, 39844436, 27625338, 27869827, 32778822)

Cardiogenetics and Myogenetics Molecular and Cellular Functional Unit, Aphp Sorbonne University-Hopital Pitie Salpetriere
Classification: Likely pathogenic for Dilated cardiomyopathy 1G. Last evaluated: 2024-01-06. Review status: no assertion criteria provided. Collection method: clinical testing. Allele origin: germline. Affected: yes. Not counted in ClinVar's aggregate classification.

Literature cited by the submitters: PubMed 25589632 (cited by Labcorp Genetics (formerly Invitae), Labcorp); PubMed 23975875 (cited by Labcorp Genetics (formerly Invitae), Labcorp); PubMed 27869827 (cited by Labcorp Genetics (formerly Invitae), Labcorp); PubMed 32964742 (cited by Labcorp Genetics (formerly Invitae), Labcorp).